The following is an entry in ClinVar:

NM_015331.3(NCSTN):c.430G>T (p.Gly144Trp)

Gene: NCSTN (nicastrin; plus strand). Cytogenetic location: 1q23.2.
Variant type: single nucleotide variant.
Coding change: c.430G>T on transcript NM_015331.3 (MANE Select); coding-DNA position 430, G replaced by T.
Protein change: p.Gly144Trp; replaces glycine 144 with tryptophan.
Molecular consequence: missense variant.
Genome position (GRCh38, 1-based): chr1:160,349,664, G>T. VCF-style: chr1-160349664-G-T. GRCh37 (hg19) VCF-style: chr1-160319454-G-T.
Other names: c.370G>T, p.Gly124Trp (NM_001290184.2); c.430G>T, p.Gly144Trp (NM_001290186.2, NM_001349729.2); short protein forms G144W, G124W.
Identifiers: ClinVar variation 4742392 (VCV004742392.1).

ClinVar aggregate classification (germline): Uncertain significance (1 of 4 stars; one submission).

Submission:

Labcorp Genetics (formerly Invitae), Labcorp
Classification: Uncertain significance. Last evaluated: 2025-09-15. Review status: criteria provided, single submitter. Criteria: Invitae Variant Classification Sherloc (09022015). Collection method: clinical testing. Allele origin: germline.
Comment: This sequence change replaces glycine, which is neutral and non-polar, with tryptophan, which is neutral and slightly polar, at codon 144 of the NCSTN protein (p.Gly144Trp). This variant is not present in population databases (gnomAD no frequency). This variant has not been reported in the literature in individuals affected with NCSTN-related conditions. Invitae Evidence Modeling of protein sequence and biophysical properties (such as structural, functional, and spatial information, amino acid conservation, physicochemical variation, residue mobility, and thermodynamic stability) indicates that this missense variant is expected to disrupt NCSTN protein function with a positive predictive value of 80%. In summary, the available evidence is currently insufficient to determine the role of this variant in disease. Therefore, it has been classified as a Variant of Uncertain Significance.